The following is an entry in ClinVar:

NM_032638.5(GATA2):c.727C>T (p.His243Tyr)

Gene: GATA2 (GATA binding protein 2; minus strand). Cytogenetic location: 3q21.3.
Variant type: single nucleotide variant.
Coding change: c.727C>T on transcript NM_032638.5 (MANE Select); coding-DNA position 727, C replaced by T.
Protein change: p.His243Tyr; replaces histidine 243 with tyrosine.
Molecular consequence: missense variant.
Genome position (GRCh38, 1-based): chr3:128,485,871, G>A on the plus strand (C>T on the coding strand, the complement: GATA2 is on the minus strand). VCF-style: chr3-128485871-G-A. GRCh37 (hg19) VCF-style: chr3-128204714-G-A.
Other names: c.727C>T, p.His243Tyr (NM_001145661.2, NM_001145662.1); short protein forms H243Y.
Identifiers: ClinVar variation 649336 (VCV000649336.8), dbSNP rs1576748504, ClinGen allele CA354406133.

ClinVar aggregate classification (germline): Uncertain significance (1 of 4 stars; one submission).

Conditions:
Monocytopenia with susceptibility to infections. Also called: IMMUNODEFICIENCY 21; GATA2 DEFICIENCY; MONOCYTOPENIA AND MYCOBACTERIAL INFECTION SYNDROME; MONOCYTOPENIA WITH SUSCEPTIBILITY TO MYCOBACTERIAL, FUNGAL, AND PAPILLOMAVIRUS INFECTIONS AND MYELODYSPLASIA; COMBINED IMMUNODEFICIENCY WITH SUSCEPTIBILITY TO MYCOBACTERIAL, VIRAL, AND FUNGAL INFECTIONS; Dendritic cell, monocyte, B lymphocyte, and natural killer lymphocyte deficiency. Identifiers: Orphanet 228423, MedGen C3280030, MONDO:0013607, OMIM 614172.
Deafness-lymphedema-leukemia syndrome. Also called: Lymphedema, primary, with myelodysplasia; Emberger syndrome. Identifiers: Orphanet 3226, MedGen C3279664, MONDO:0013540, OMIM 614038.

Allele frequency attached by ClinVar (database versions not stated): gnomAD exomes below 0.00001.

Submission:

Labcorp Genetics (formerly Invitae), Labcorp
Classification: Uncertain significance for Monocytopenia with susceptibility to infections; Deafness-lymphedema-leukemia syndrome. Last evaluated: 2018-12-25. Review status: criteria provided, single submitter. Criteria: Invitae Variant Classification Sherloc (09022015). Collection method: clinical testing. Allele origin: germline.
Comment: This variant has not been reported in the literature in individuals with GATA2-related conditions. This variant is not present in population databases (ExAC no frequency). This sequence change replaces histidine with tyrosine at codon 243 of the GATA2 protein (p.His243Tyr). The histidine residue is moderately conserved and there is a moderate physicochemical difference between histidine and tyrosine. Algorithms developed to predict the effect of missense changes on protein structure and function are either unavailable or do not agree on the potential impact of this missense change (SIFT: "Tolerated"; PolyPhen-2: "Possibly Damaging"; Align-GVGD: "Class C0"). In summary, the available evidence is currently insufficient to determine the role of this variant in disease. Therefore, it has been classified as a Variant of Uncertain Significance.